The following is an entry in ClinVar:

NM_001039348.3(EFEMP1):c.489C>T (p.Tyr163=)

Gene: EFEMP1 (EGF-like fibulin extracellular matrix protein 1; minus strand). Cytogenetic location: 2p16.1.
Variant type: single nucleotide variant.
Coding change: c.489C>T on transcript NM_001039348.3 (MANE Select); coding-DNA position 489, C replaced by T.
Protein change: p.Tyr163=; no amino-acid change (tyrosine 163 retained).
Molecular consequence: synonymous variant.
Genome position (GRCh38, 1-based): chr2:55,917,693, G>A on the plus strand (C>T on the coding strand, the complement: EFEMP1 is on the minus strand). VCF-style: chr2-55917693-G-A. GRCh37 (hg19) VCF-style: chr2-56144828-G-A.
Other names: c.489C>T, p.Tyr163= (NM_001039349.3).
Identifiers: ClinVar variation 336629 (VCV000336629.39), dbSNP rs761107410, ClinGen allele CA1668937.

ClinVar aggregate classification (germline): Benign/Likely benign. Review status: criteria provided, multiple submitters, no conflicts (2 of 4 stars). 5 submissions from 5 submitters: Benign (2); Likely benign (3). Last evaluated 2026-03-23.

Conditions:
EFEMP1-related disorder. Also called: EFEMP1-related condition.
Doyne honeycomb retinal dystrophy (DHRD). Also called: DOYNE HONEYCOMB DEGENERATION OF RETINA; MALATTIA LEVENTINESE; DRUSEN, RADIAL, AUTOSOMAL DOMINANT. Identifiers: Orphanet 75376, MedGen C1832174, MONDO:0007471, OMIM 126600.

Allele frequency attached by ClinVar (database versions not stated): gnomAD 0.00003 and 0.00004; gnomAD exomes 0.00004 and 0.00014; TOPMed 0.00004; ExAC 0.00019.

Submissions (5):

PreventionGenetics, part of Exact Sciences
Classification: Likely benign for EFEMP1-related condition. Last evaluated: 2026-03-23. Review status: criteria provided, single submitter. Criteria: ACMG Guidelines, 2015. Collection method: clinical testing. Allele origin: germline.
Comment: This variant is classified as likely benign based on ACMG/AMP sequence variant interpretation guidelines (Richards et al. 2015 PMID: 25741868, with internal and published modifications).

Labcorp Genetics (formerly Invitae), Labcorp
Classification: Benign. Last evaluated: 2025-06-23. Review status: criteria provided, single submitter. Criteria: Invitae Variant Classification Sherloc (09022015). Collection method: clinical testing. Allele origin: germline.

Blueprint Genetics
Classification: Likely benign. Last evaluated: 2023-05-25. Review status: criteria provided, single submitter. Criteria: ACMG Guidelines, 2015. Collection method: clinical testing. Allele origin: germline.

CeGaT Center for Human Genetics Tuebingen
Classification: Likely benign. Last evaluated: 2022-11-01. Review status: criteria provided, single submitter. Criteria: CeGaT Center For Human Genetics Tuebingen Variant Classification Criteria Version 2. Collection method: clinical testing. Allele origin: germline. Affected: yes. Observed: 1 variant allele.
Comment: EFEMP1: BP4, BP7

Illumina Laboratory Services, Illumina
Classification: Benign for Doyne honeycomb retinal dystrophy. Last evaluated: 2018-01-13. Review status: criteria provided, single submitter. Criteria: ICSL Variant Classification Criteria 13 December 2019. Collection method: clinical testing. Allele origin: germline.
Comment: This variant was observed in the ICSL laboratory as part of a predisposition screen in an ostensibly healthy population. It had not been previously curated by ICSL or reported in the Human Gene Mutation Database (HGMD: prior to June 1st, 2018), and was therefore a candidate for classification through an automated scoring system. Utilizing variant allele frequency, disease prevalence and penetrance estimates, and inheritance mode, an automated score was calculated to assess if this variant is too frequent to cause the disease. Based on the score and internal cut-off values, a variant classified as benign is not then subjected to further curation. The score for this variant resulted in a classification of benign for this disease.